The following is an entry in ClinVar:

NM_058216.3(RAD51C):c.1108C>G (p.Arg370Gly)

Gene: RAD51C (RAD51 paralog C; plus strand). Cytogenetic location: 17q22.
Variant type: single nucleotide variant.
Coding change: c.1108C>G on transcript NM_058216.3 (MANE Select); coding-DNA position 1108, C replaced by G.
Protein change: p.Arg370Gly; replaces arginine 370 with glycine.
Molecular consequence: missense variant. On other transcripts: non-coding transcript variant (1).
Genome position (GRCh38, 1-based): chr17:58,734,199, C>G. VCF-style: chr17-58734199-C-G. GRCh37 (hg19) VCF-style: chr17-56811560-C-G.
Other names: c.*536C>G (NM_058217.1); short protein forms R370G.
Identifiers: ClinVar variation 1934712 (VCV001934712.5), dbSNP rs756744016, ClinGen allele CA400366536.

ClinVar aggregate classification (germline): Uncertain significance (1 of 4 stars; one submission).

Conditions:
Fanconi anemia complementation group O. Also called: RAD51C-Related Fanconi Anemia. Identifiers: Orphanet 84, MedGen C3150653, MONDO:0013248, OMIM 613390.

Submission:

Labcorp Genetics (formerly Invitae), Labcorp
Classification: Uncertain significance for Fanconi anemia complementation group O. Last evaluated: 2022-09-17. Review status: criteria provided, single submitter. Criteria: Invitae Variant Classification Sherloc (09022015). Collection method: clinical testing. Allele origin: germline.
Comment: Algorithms developed to predict the effect of missense changes on protein structure and function are either unavailable or do not agree on the potential impact of this missense change (SIFT: "Deleterious"; PolyPhen-2: "Possibly Damaging"; Align-GVGD: "Class C0"). In summary, the available evidence is currently insufficient to determine the role of this variant in disease. Therefore, it has been classified as a Variant of Uncertain Significance. This sequence change replaces arginine, which is basic and polar, with glycine, which is neutral and non-polar, at codon 370 of the RAD51C protein (p.Arg370Gly). This variant is not present in population databases (gnomAD no frequency). This variant has not been reported in the literature in individuals affected with RAD51C-related conditions.